The following is an entry in ClinVar:

NM_080680.3(COL11A2):c.2689C>T (p.Pro897Ser)

Gene: COL11A2 (collagen type XI alpha 2 chain; minus strand). Cytogenetic location: 6p21.32.
Variant type: single nucleotide variant.
Coding change: c.2689C>T on transcript NM_080680.3 (MANE Select); coding-DNA position 2689, C replaced by T.
Protein change: p.Pro897Ser; replaces proline 897 with serine.
Molecular consequence: missense variant.
Genome position (GRCh38, 1-based): chr6:33,173,395, G>A on the plus strand (C>T on the coding strand, the complement: COL11A2 is on the minus strand). VCF-style: chr6-33173395-G-A. GRCh37 (hg19) VCF-style: chr6-33141172-G-A.
Other names: c.2509C>T, p.Pro837Ser (NM_001424108.1); c.1843C>T, p.Pro615Ser (NM_001424109.1); c.1663C>T, p.Pro555Ser (NM_001424110.1, NM_001424111.1); c.643C>T, p.Pro215Ser (NM_001424112.1); c.2368C>T, p.Pro790Ser (NM_080679.3); c.2431C>T, p.Pro811Ser (NM_080681.3); short protein forms P215S, P837S, P897S, P615S, P790S, P555S, P811S.
Identifiers: ClinVar variation 3697928 (VCV003697928.2).

ClinVar aggregate classification (germline): Uncertain significance (1 of 4 stars; one submission).

Submission:

Labcorp Genetics (formerly Invitae), Labcorp
Classification: Uncertain significance. Last evaluated: 2024-04-25. Review status: criteria provided, single submitter. Criteria: Invitae Variant Classification Sherloc (09022015). Collection method: clinical testing. Allele origin: germline.
Comment: This sequence change replaces proline, which is neutral and non-polar, with serine, which is neutral and polar, at codon 897 of the COL11A2 protein (p.Pro897Ser). This variant is not present in population databases (gnomAD no frequency). This variant has not been reported in the literature in individuals affected with COL11A2-related conditions. Advanced modeling of protein sequence and biophysical properties (such as structural, functional, and spatial information, amino acid conservation, physicochemical variation, residue mobility, and thermodynamic stability) performed at Invitae indicates that this missense variant is not expected to disrupt COL11A2 protein function with a negative predictive value of 95%. In summary, the available evidence is currently insufficient to determine the role of this variant in disease. Therefore, it has been classified as a Variant of Uncertain Significance.